The following is an entry in ClinVar:

NM_003816.3(ADAM9):c.2251G>C (p.Gly751Arg)

Gene: ADAM9 (ADAM metallopeptidase domain 9; plus strand). Cytogenetic location: 8p11.22.
Variant type: single nucleotide variant.
Coding change: c.2251G>C on transcript NM_003816.3 (MANE Select); coding-DNA position 2251, G replaced by C.
Protein change: p.Gly751Arg; replaces glycine 751 with arginine.
Molecular consequence: missense variant. On other transcripts: non-coding transcript variant (3).
Genome position (GRCh38, 1-based): chr8:39,091,299, G>C. VCF-style: chr8-39091299-G-C. GRCh37 (hg19) VCF-style: chr8-38948818-G-C.
Other names: short protein forms G751R.
Identifiers: ClinVar variation 2021954 (VCV002021954.4), dbSNP rs1407413652, ClinGen allele CA370750040.
Genomic context (GRCh38, chr8:39,091,299, plus strand): 5'-AAAGTAATTGTATCTTTCAGGTCAGATGGCAAAAATCAAGCAAACCCTTCTAGACAGCCG[G>C]GGAGTGTTCCTCGACATGTTTCTCCAGTGACACCTCCCAGAGAAGTTGTAAGTATAAAAT-3'
Protein context (NP_003807.1, residues 741-761): KNQANPSRQP[Gly751Arg]SVPRHVSPVT

ClinVar aggregate classification (germline): Uncertain significance (1 of 4 stars; one submission).

Allele frequency attached by ClinVar (database versions not stated): gnomAD 0.00001.
gnomAD v4.1: 1 of 1,613,982 alleles (0.000062%); highest among the groups gnomAD compares: Non-Finnish European, 0.000085%; no homozygotes.

Submission:

Labcorp Genetics (formerly Invitae), Labcorp
Classification: Uncertain significance. Last evaluated: 2022-07-01. Review status: criteria provided, single submitter. Criteria: Invitae Variant Classification Sherloc (09022015). Collection method: clinical testing. Allele origin: germline.
Comment: In summary, the available evidence is currently insufficient to determine the role of this variant in disease. Therefore, it has been classified as a Variant of Uncertain Significance. Algorithms developed to predict the effect of missense changes on protein structure and function (SIFT, PolyPhen-2, Align-GVGD) all suggest that this variant is likely to be tolerated. This variant has not been reported in the literature in individuals affected with ADAM9-related conditions. This variant is not present in population databases (gnomAD no frequency). This sequence change replaces glycine, which is neutral and non-polar, with arginine, which is basic and polar, at codon 751 of the ADAM9 protein (p.Gly751Arg).